The following is an entry in ClinVar:

NM_001042492.3(NF1):c.4400T>G (p.Phe1467Cys)

Gene: NF1 (neurofibromin 1; plus strand). Cytogenetic location: 17q11.2.
Variant type: single nucleotide variant.
Coding change: c.4400T>G on transcript NM_001042492.3 (MANE Select); coding-DNA position 4400, T replaced by G.
Protein change: p.Phe1467Cys; replaces phenylalanine 1467 with cysteine.
Molecular consequence: missense variant.
Genome position (GRCh38, 1-based): chr17:31,259,099, T>G. VCF-style: chr17-31259099-T-G. GRCh37 (hg19) VCF-style: chr17-29586117-T-G.
Other names: c.4337T>G, p.Phe1446Cys (NM_000267.4); short protein forms F1446C, F1467C.
Identifiers: ClinVar variation 484148 (VCV000484148.5), dbSNP rs1555618685, ClinGen allele CA398998915.

ClinVar aggregate classification (germline): Uncertain significance (1 of 4 stars; one submission).

Conditions:
Cardiovascular phenotype. Identifiers: MedGen CN230736.
Hereditary cancer-predisposing syndrome. Also called: Neoplastic Syndromes, Hereditary; Tumor predisposition; Hereditary Cancer Syndrome; Hereditary neoplastic syndrome. Identifiers: Orphanet 140162, MedGen C0027672, MeSH D009386, MONDO:0015356.

Submission:

Ambry Genetics
Classification: Uncertain significance for Cardiovascular phenotype; Hereditary cancer-predisposing syndrome. Last evaluated: 2017-08-11. Review status: criteria provided, single submitter. Criteria: Ambry Variant Classification Scheme 2023. Collection method: clinical testing. Allele origin: germline.
Comment: The p.F1446C variant (also known as c.4337T>G), located in coding exon 32 of the NF1 gene, results from a T to G substitution at nucleotide position 4337. The phenylalanine at codon 1446 is replaced by cysteine, an amino acid with highly dissimilar properties. This amino acid position is highly conserved in available vertebrate species. In addition, this alteration is predicted to be deleterious by in silico analysis. Since supporting evidence is limited at this time, the clinical significance of this alteration remains unclear.